The following is an entry in ClinVar:

NM_001853.4(COL9A3):c.959_960del (p.Glu320fs)

Gene: COL9A3 (collagen type IX alpha 3 chain; plus strand). Cytogenetic location: 20q13.33.
Variant type: Microsatellite.
Coding change: c.959_960del on transcript NM_001853.4 (MANE Select); coding-DNA positions 959 to 960, 2 bases deleted (AG; older notation c.959_960delAG).
Protein change: p.Glu320fs; shifts the reading frame from glutamic acid 320.
Molecular consequence: frameshift variant.
Genome position (GRCh38, 1-based): chr20:62,828,927-62,828,928, AG deleted; deleting any 2 consecutive bases within chr20:62,828,924-62,828,928 gives the same sequence; the c. name uses the placement nearest the transcript's 3' end. VCF-style (leftmost placement, unchanged base first): chr20-62828923-GGA-G. GRCh37 (hg19) VCF-style: chr20-61460275-GGA-G.
Other names: short protein forms E320fs.
Identifiers: ClinVar variation 4987629 (VCV004987629.1).
Genomic context (GRCh38, chr20:62,828,923, plus strand): 5'-GGAGTTCGGCCTCCCGAGGCCTCAGCCTCCCCTTCCGCACCCCAATCTCTGTCCTCACAG[GGA>G]GAGGCTGGTCGCAACGGTGCTCCGGGAGAGAAGGGCCCCAACGGGCTGCCGGTGAGTGCC-3'

ClinVar aggregate classification (germline): Likely pathogenic (1 of 4 stars; one submission).

Conditions:
COL9A3-related disorder. Also called: COL9A3-related condition.

Submission:

PreventionGenetics, part of Exact Sciences
Classification: Likely pathogenic for COL9A3-related condition. Last evaluated: 2026-01-25. Review status: criteria provided, single submitter. Criteria: ACMG Guidelines, 2015. Collection method: clinical testing. Allele origin: germline.
Comment: The COL9A3 c.959_960delAG variant is predicted to result in a frameshift and premature protein termination (p.Glu320Glyfs*39). To our knowledge, this variant has not been reported in the literature or in a large population database (gnomAD), indicating this variant is rare. Frameshift variants in COL9A3 are expected to be pathogenic. This variant is interpreted as likely pathogenic.